The following is an entry in ClinVar:

ClinVar aggregate classification (germline): Uncertain significance. Review status: criteria provided, multiple submitters, no conflicts (2 of 4 stars). 3 submissions from 3 submitters: Uncertain significance (3). Last evaluated 2025-08-25.

Conditions:
DICER1-related tumor predisposition. Also called: DICER1-related pleuropulmonary blastoma cancer predisposition syndrome; DICER1 syndrome. Identifiers: Orphanet 284343, MedGen C3839822, MONDO:0100216.
Hereditary cancer-predisposing syndrome. Also called: Tumor predisposition; Neoplastic Syndromes, Hereditary; Hereditary Cancer Syndrome; Hereditary neoplastic syndrome. Identifiers: Orphanet 140162, MedGen C0027672, MeSH D009386, MONDO:0015356.

Allele frequency attached by ClinVar (database versions not stated): gnomAD exomes below 0.00001 and 0.00001.
gnomAD v4.1: 17 of 1,613,492 alleles (0.0011%); highest among the groups gnomAD compares: Non-Finnish European, 0.0014%; no homozygotes.

Submissions (3):

Labcorp Genetics (formerly Invitae), Labcorp
Classification: Uncertain significance for DICER1-related tumor predisposition. Last evaluated: 2025-08-25. Review status: criteria provided, single submitter. Criteria: Invitae Variant Classification Sherloc (09022015). Collection method: clinical testing. Allele origin: germline.
Comment: This sequence change replaces threonine, which is neutral and polar, with alanine, which is neutral and non-polar, at codon 915 of the DICER1 protein (p.Thr915Ala). This variant is present in population databases (no rsID available, gnomAD 0.0009%). This variant has not been reported in the literature in individuals affected with DICER1-related conditions. ClinVar contains an entry for this variant (Variation ID: 477118). Invitae Evidence Modeling of protein sequence and biophysical properties (such as structural, functional, and spatial information, amino acid conservation, physicochemical variation, residue mobility, and thermodynamic stability) indicates that this missense variant is not expected to disrupt DICER1 protein function with a negative predictive value of 95%. In summary, the available evidence is currently insufficient to determine the role of this variant in disease. Therefore, it has been classified as a Variant of Uncertain Significance.

Ambry Genetics
Classification: Uncertain significance for Hereditary cancer-predisposing syndrome. Last evaluated: 2024-04-01. Review status: criteria provided, single submitter. Criteria: Ambry Variant Classification Scheme 2023. Collection method: clinical testing. Allele origin: germline.
Comment: The p.T915A variant (also known as c.2743A>G), located in coding exon 16 of the DICER1 gene, results from an A to G substitution at nucleotide position 2743. The threonine at codon 915 is replaced by alanine, an amino acid with similar properties. This alteration was identified in 1/1358 non-cancer control individuals and in 0/57 cases, in a study looking at cancer predisposition mutations in patients with cutaneous melanoma and a history of at least two additional non-cutaneous melanoma primary cancers (Pritchard AL et al. PLoS One, 2018 Apr;13:e0194098). This amino acid position is poorly conserved in available vertebrate species. In addition, this alteration is predicted to be tolerated by in silico analysis. Since supporting evidence is limited at this time, the clinical significance of this alteration remains unclear.

GeneDx
Classification: Uncertain significance. Last evaluated: 2022-10-21. Review status: criteria provided, single submitter. Criteria: GeneDx Variant Classification Process June 2021. Collection method: clinical testing. Allele origin: germline. Affected: yes.
Comment: Not observed at significant frequency in large population cohorts (gnomAD); In silico analysis supports that this missense variant does not alter protein structure/function; Has not been previously published as pathogenic or benign to our knowledge

Literature cited by the submitters: PubMed 29641532 (cited by Ambry Genetics).

NM_177438.3(DICER1):c.2743A>G (p.Thr915Ala)

Gene: DICER1 (dicer 1, ribonuclease III; minus strand). Cytogenetic location: 14q32.13.
Variant type: single nucleotide variant.
Coding change: c.2743A>G on transcript NM_177438.3 (MANE Select); coding-DNA position 2743, A replaced by G.
Protein change: p.Thr915Ala; replaces threonine 915 with alanine.
Molecular consequence: missense variant.
Genome position (GRCh38, 1-based): chr14:95,107,669, T>C on the plus strand (A>G on the coding strand, the complement: DICER1 is on the minus strand). VCF-style: chr14-95107669-T-C. GRCh37 (hg19) VCF-style: chr14-95574006-T-C.
Other names: c.2743A>G, p.Thr915Ala (NM_001195573.1, NM_001271282.3, NM_001291628.2 and 1 more transcripts); short protein forms T915A.
Identifiers: ClinVar variation 477118 (VCV000477118.17), dbSNP rs1179517249, ClinGen allele CA390879536.
Genomic context (GRCh38, chr14:95,107,669, plus strand): 5'-TTGGAATGATAACGGCATCTTGGTAATCTTCTAATTTAAAAACAAAGGGTGTTTCTTTTG[T>C]ATACTTTGTACTGGGAATGCCTATGCGAGCTTCAGACTTCTCAATATCTTCCATGAATTT-3'
Protein context (NP_803187.1, residues 905-925): ARIGIPSTKY[Thr915Ala]KETPFVFKLE